The following is an entry in ClinVar:

ClinVar aggregate classification (germline): Uncertain significance (1 of 4 stars; one submission).

gnomAD v4.1: 1 of 1,580,626 alleles (0.000063%); highest among the groups gnomAD compares: Non-Finnish European, 0.000085%; no homozygotes.

Submission:

Labcorp Genetics (formerly Invitae), Labcorp
Classification: Uncertain significance. Last evaluated: 2024-01-01. Review status: criteria provided, single submitter. Criteria: Invitae Variant Classification Sherloc (09022015). Collection method: clinical testing. Allele origin: germline.
Comment: This sequence change replaces arginine, which is basic and polar, with glycine, which is neutral and non-polar, at codon 921 of the SUCO protein (p.Arg921Gly). This variant is not present in population databases (gnomAD no frequency). This variant has not been reported in the literature in individuals affected with SUCO-related conditions. An algorithm developed to predict the effect of missense changes on protein structure and function (PolyPhen-2) suggests that this variant is likely to be disruptive. In summary, the available evidence is currently insufficient to determine the role of this variant in disease. Therefore, it has been classified as a Variant of Uncertain Significance.

NM_014283.5(SUCO):c.2761C>G (p.Arg921Gly)

Gene: SUCO (SUN domain containing ossification factor; plus strand). Cytogenetic location: 1q24.3.
Variant type: single nucleotide variant.
Coding change: c.2761C>G on transcript NM_014283.5 (MANE Select); coding-DNA position 2761, C replaced by G.
Protein change: p.Arg921Gly; replaces arginine 921 with glycine.
Molecular consequence: missense variant. On other transcripts: intron variant (1).
Genome position (GRCh38, 1-based): chr1:172,589,862, C>G. VCF-style: chr1-172589862-C-G. GRCh37 (hg19) VCF-style: chr1-172559002-C-G.
Other names: c.1072C>G, p.Arg358Gly (NM_001282751.2); c.3214C>G, p.Arg1072Gly (NM_016227.4); c.1712+938C>G (NM_001282750.2); short protein forms R358G, R1072G, R921G.
Identifiers: ClinVar variation 2802790 (VCV002802790.3), dbSNP rs372075170, ClinGen allele CA343745032.